The following is an entry in ClinVar:

ClinVar aggregate classification (germline): Pathogenic. Review status: criteria provided, multiple submitters, no conflicts (2 of 4 stars). 2 submissions from 2 submitters: Pathogenic (2). Last evaluated 2025-03-23.

Conditions:
Hereditary nonpolyposis colorectal neoplasms. Identifiers: MedGen C0009405, MeSH D003123.
Lynch syndrome 5 (LYNCH5). Also called: Colorectal cancer, hereditary nonpolyposis, type 5; Hereditary non-polyposis colorectal cancer, type 5. Identifiers: Orphanet 144, MedGen C1833477, MONDO:0013710, OMIM 614350. Disease mechanism: loss of function.

Submissions (2):

Labcorp Genetics (formerly Invitae), Labcorp
Classification: Pathogenic for Hereditary nonpolyposis colorectal neoplasms. Last evaluated: 2025-03-23. Review status: criteria provided, single submitter. Criteria: Invitae Variant Classification Sherloc (09022015). Collection method: clinical testing. Allele origin: germline.
Comment: This sequence change creates a premature translational stop signal (p.Leu759Profs*5) in the MSH6 gene. It is expected to result in an absent or disrupted protein product. Loss-of-function variants in MSH6 are known to be pathogenic (PMID: 18269114, 24362816). This variant is not present in population databases (gnomAD no frequency). This variant has not been reported in the literature in individuals affected with MSH6-related conditions. ClinVar contains an entry for this variant (Variation ID: 1452828). For these reasons, this variant has been classified as Pathogenic.

Myriad Genetics, Inc.
Classification: Pathogenic for Lynch syndrome 5. Last evaluated: 2023-08-16. Review status: criteria provided, single submitter. Criteria: Myriad Autosomal Dominant, Autosomal Recessive and X-Linked Classification Criteria (2023). Collection method: clinical testing. Allele origin: unknown.
Comment: This variant is considered pathogenic. This variant creates a frameshift predicted to result in premature protein truncation.

Literature cited by the submitters: PubMed 18269114 (cited by Labcorp Genetics (formerly Invitae), Labcorp); PubMed 24362816 (cited by Labcorp Genetics (formerly Invitae), Labcorp).

NM_000179.3(MSH6):c.2275dup (p.Leu759fs)

Gene: MSH6 (mutS homolog 6; plus strand). Cytogenetic location: 2p16.3.
Variant type: Duplication.
Coding change: c.2275dup on transcript NM_000179.3 (MANE Select); coding-DNA position 2275, one base duplicated (C; older notation c.2275dupC).
Protein change: p.Leu759fs; shifts the reading frame from leucine 759.
Molecular consequence: frameshift variant.
Genome position (GRCh38, 1-based): chr2:47,800,258, C duplicated. VCF-style (leftmost placement, unchanged base first): chr2-47800257-A-AC. GRCh37 (hg19) VCF-style: chr2-48027396-A-AC.
Other names: c.1885dup, p.Leu629fs (NM_001281492.2); c.1369dup, p.Leu457fs (NM_001281493.2, NM_001281494.2); short protein forms L457fs, L629fs, L759fs.
Identifiers: ClinVar variation 1452828 (VCV001452828.7), dbSNP rs2104397838, ClinGen allele CA2573135005.